The following is an entry in ClinVar:

NM_001035.3(RYR2):c.6726G>A (p.Val2242=)

Gene: RYR2 (ryanodine receptor 2; plus strand). Cytogenetic location: 1q43.
Variant type: single nucleotide variant.
Coding change: c.6726G>A on transcript NM_001035.3 (MANE Select); coding-DNA position 6726, G replaced by A.
Protein change: p.Val2242=; no amino-acid change (valine 2242 retained).
Molecular consequence: synonymous variant.
Genome position (GRCh38, 1-based): chr1:237,634,926, G>A. VCF-style: chr1-237634926-G-A. GRCh37 (hg19) VCF-style: chr1-237798226-G-A.
Other names: c.6726G>A, p.Val2242= (LRG_402t1).
Identifiers: ClinVar variation 238239 (VCV000238239.20), dbSNP rs767246962, ClinGen allele CA087187.

ClinVar aggregate classification (germline): Conflicting classifications of pathogenicity. Review status: criteria provided, conflicting classifications (1 of 4 stars). 5 submissions from 5 submitters: Uncertain significance (1); Likely benign (4). Last evaluated 2025-12-28.

Conditions:
Cardiomyopathy (CMYO). Also called: Cardiomyopathies. Identifiers: Orphanet 167848, MedGen C0878544, MONDO:0004994, HP:0001638. Inheritance: Various modes of inheritance.
Cardiovascular phenotype. Identifiers: MedGen CN230736.
Catecholaminergic polymorphic ventricular tachycardia (CVPT). Also called: Catecholamine-induced polymorphic ventricular tachycardia. Identifiers: Orphanet 3286, MedGen C5574922, MONDO:0017990.
Catecholaminergic polymorphic ventricular tachycardia 1. Also called: VENTRICULAR TACHYCARDIA, CATECHOLAMINERGIC POLYMORPHIC, 1, WITH OR WITHOUT ATRIAL DYSFUNCTION AND/OR DILATED CARDIOMYOPATHY; RYR2-Related Catecholaminergic Polymorphic Ventricular Tachycardia; VENTRICULAR TACHYCARDIA, STRESS-INDUCED POLYMORPHIC 1. Identifiers: Orphanet 3286, MedGen C1631597, MONDO:0011484, OMIM 604772.

Allele frequency attached by ClinVar (database versions not stated): gnomAD 0.00002; TOPMed 0.00002; gnomAD exomes 0.00005 and 0.00008; ExAC 0.00006.
gnomAD v4.1: 112 of 1,609,428 alleles (0.007%); highest among the groups gnomAD compares: Non-Finnish European, 0.0093%; no homozygotes.

Submissions (5):

Labcorp Genetics (formerly Invitae), Labcorp
Classification: Likely benign for Catecholaminergic polymorphic ventricular tachycardia 1. Last evaluated: 2025-12-28. Review status: criteria provided, single submitter. Criteria: Invitae Variant Classification Sherloc (09022015). Collection method: clinical testing. Allele origin: germline.

All of Us Research Program, National Institutes of Health
Classification: Likely benign for Catecholaminergic polymorphic ventricular tachycardia. Last evaluated: 2023-12-01. Review status: criteria provided, single submitter. Criteria: ACMG Guidelines, 2015. Collection method: clinical testing. Allele origin: germline. Inheritance: Autosomal dominant inheritance. Observed: 14 variant alleles, 14 heterozygotes.
Comment: This study involves interpretation of variants in research participants for the purpose of population health screening. Participant phenotype was not available at the time of variant classification. Additional details can be found in publication PMID: 35346344, PMCID: PMC8962531

GeneDx
Classification: Uncertain significance. Last evaluated: 2021-05-04. Review status: criteria provided, single submitter. Criteria: GeneDx Variant Classification Process June 2021. Collection method: clinical testing. Allele origin: germline. Affected: yes.
Comment: Has not been previously published as pathogenic or benign to our knowledge; In-silico analysis, which includes splice predictors and evolutionary conservation, is inconclusive as to whether the variant alters gene splicing. In the absence of RNA/functional studies, the actual effect of this sequence change is unknown.; Reported in ClinVar (ClinVar Variant ID# 238239; Landrum et al., 2016)

Color Diagnostics, LLC DBA Color Health
Classification: Likely benign for Cardiomyopathy. Last evaluated: 2018-11-08. Review status: criteria provided, single submitter. Criteria: ACMG Guidelines, 2015. Collection method: clinical testing. Allele origin: germline.

Ambry Genetics
Classification: Likely benign for Cardiovascular phenotype. Last evaluated: 2018-08-02. Review status: criteria provided, single submitter. Criteria: Ambry Variant Classification Scheme 2023. Collection method: clinical testing. Allele origin: germline.